The following is an entry in ClinVar:

NM_006231.4(POLE):c.3488A>C (p.His1163Pro)

Gene: POLE (DNA polymerase epsilon, catalytic subunit; minus strand). Cytogenetic location: 12q24.33.
Variant type: single nucleotide variant.
Coding change: c.3488A>C on transcript NM_006231.4 (MANE Select); coding-DNA position 3488, A replaced by C.
Protein change: p.His1163Pro; replaces histidine 1163 with proline.
Molecular consequence: missense variant.
Genome position (GRCh38, 1-based): chr12:132,657,230, T>G on the plus strand (A>C on the coding strand, the complement: POLE is on the minus strand). VCF-style: chr12-132657230-T-G. GRCh37 (hg19) VCF-style: chr12-133233816-T-G.
Other names: short protein forms H1163P.
Identifiers: ClinVar variation 1469095 (VCV001469095.6), dbSNP rs2138657322, ClinGen allele CA387388709.

ClinVar aggregate classification (germline): Uncertain significance (1 of 4 stars; one submission).

Submission:

Labcorp Genetics (formerly Invitae), Labcorp
Classification: Uncertain significance. Last evaluated: 2021-11-18. Review status: criteria provided, single submitter. Criteria: Invitae Variant Classification Sherloc (09022015). Collection method: clinical testing. Allele origin: germline.
Comment: In summary, the available evidence is currently insufficient to determine the role of this variant in disease. Therefore, it has been classified as a Variant of Uncertain Significance. Algorithms developed to predict the effect of missense changes on protein structure and function (SIFT, PolyPhen-2, Align-GVGD) all suggest that this variant is likely to be disruptive. This variant has not been reported in the literature in individuals affected with POLE-related conditions. This variant is not present in population databases (gnomAD no frequency). This sequence change replaces histidine, which is basic and polar, with proline, which is neutral and non-polar, at codon 1163 of the POLE protein (p.His1163Pro).